The following is an entry in ClinVar:

ClinVar aggregate classification (germline): Likely pathogenic (1 of 4 stars; one submission).

Conditions:
Autosomal recessive limb-girdle muscular dystrophy type 2J (LGMDR10). Also called: Limb-girdle muscular dystrophy, type 2J; MUSCULAR DYSTROPHY, LIMB-GIRDLE, AUTOSOMAL RECESSIVE 10. Identifiers: Orphanet 140922, MedGen C1837342, MONDO:0012127, OMIM 608807.
Dilated cardiomyopathy 1G (CMD1G). Identifiers: Orphanet 154, MedGen C1858763, MONDO:0011400, OMIM 604145.

Submission:

Labcorp Genetics (formerly Invitae), Labcorp
Classification: Likely pathogenic for Dilated cardiomyopathy 1G; Autosomal recessive limb-girdle muscular dystrophy type 2J. Last evaluated: 2022-01-26. Review status: criteria provided, single submitter. Criteria: Invitae Variant Classification Sherloc (09022015). Collection method: clinical testing. Allele origin: germline.
Comment: In summary, the currently available evidence indicates that the variant is pathogenic, but additional data are needed to prove that conclusively. Therefore, this variant has been classified as Likely Pathogenic. This variant is located in the A band of TTN (PMID: 25589632). Truncating variants in this region are significantly overrepresented in patients affected with dilated cardiomyopathy (PMID: 25589632). Truncating variants in this region have also been reported in individuals affected with autosomal recessive centronuclear myopathy (PMID: 23975875). This variant has not been reported in the literature in individuals affected with TTN-related conditions. This variant is not present in population databases (gnomAD no frequency). This sequence change creates a premature translational stop signal (p.Tyr21630*) in the TTN gene. While this is not anticipated to result in nonsense mediated decay, it is expected to create a truncated TTN protein.

Literature cited by the submitters: PubMed 25589632; PubMed 23975875.

NM_001267550.2(TTN):c.64890C>A (p.Tyr21630Ter)

Genes: TTN-AS1 (TTN antisense RNA 1; plus strand), TTN (titin; minus strand). Cytogenetic location: 2q31.2.
Variant type: single nucleotide variant.
Coding change: c.64890C>A on transcript NM_001267550.2 (MANE Select); coding-DNA position 64890, C replaced by A.
Protein change: p.Tyr21630Ter; replaces tyrosine 21630 with a stop codon.
Molecular consequence: nonsense. On other transcripts: non-coding transcript variant (1).
Genome position (GRCh38, 1-based): chr2:178,584,751, G>T on the plus strand (C>A on the coding strand, the complement: TTN is on the minus strand). VCF-style: chr2-178584751-G-T. GRCh37 (hg19) VCF-style: chr2-179449478-G-T.
Other names: c.59967C>A, p.Tyr19989Ter (NM_001256850.1); c.37695C>A, p.Tyr12565Ter (NM_003319.4); c.57186C>A, p.Tyr19062Ter (NM_133378.4); c.38070C>A, p.Tyr12690Ter (NM_133432.3); c.38271C>A, p.Tyr12757Ter (NM_133437.4); short protein forms Y12690*, Y12757*, Y12565*, Y19062*, Y19989*, Y21630*.
Identifiers: ClinVar variation 2089783 (VCV002089783.4), dbSNP rs2048560568, ClinGen allele CA349436429.
Genomic context (GRCh38, chr2:178,584,751, plus strand): 5'-CTTTGGAGATGTGAGAGGCTCTGAAATGCCAAATCGGTTTTCAGCACGGACCCGGAAGAT[G>T]TACTCCTGGCCTGGGATCAGCTTTCCAACCCTGCAGGAAGTTTTTGTGACTGAAGCTAGA-3'